The following is an entry in ClinVar:

ClinVar aggregate classification (germline): Uncertain significance (1 of 4 stars; one submission).

Allele frequency attached by ClinVar (database versions not stated): gnomAD exomes below 0.00001 and 0.00001; ExAC 0.00001; gnomAD 0.00001.
gnomAD v4.1: 5 of 1,613,912 alleles (0.00031%); highest among the groups gnomAD compares: Admixed American, 0.005%; no homozygotes.

Submission:

Labcorp Genetics (formerly Invitae), Labcorp
Classification: Uncertain significance. Last evaluated: 2022-07-12. Review status: criteria provided, single submitter. Criteria: Invitae Variant Classification Sherloc (09022015). Collection method: clinical testing. Allele origin: germline.
Comment: This sequence change replaces lysine, which is basic and polar, with arginine, which is basic and polar, at codon 1425 of the TTC37 protein (p.Lys1425Arg). This variant is present in population databases (rs745936869, gnomAD 0.003%). This variant has not been reported in the literature in individuals affected with TTC37-related conditions. ClinVar contains an entry for this variant (Variation ID: 1449013). Algorithms developed to predict the effect of missense changes on protein structure and function (SIFT, PolyPhen-2, Align-GVGD) all suggest that this variant is likely to be tolerated. In summary, the available evidence is currently insufficient to determine the role of this variant in disease. Therefore, it has been classified as a Variant of Uncertain Significance.

NM_014639.4(SKIC3):c.4274A>G (p.Lys1425Arg)

Gene: SKIC3 (SKI3 subunit of superkiller complex; minus strand). Cytogenetic location: 5q15.
Variant type: single nucleotide variant.
Coding change: c.4274A>G on transcript NM_014639.4 (MANE Select); coding-DNA position 4274, A replaced by G.
Protein change: p.Lys1425Arg; replaces lysine 1425 with arginine.
Molecular consequence: missense variant.
Genome position (GRCh38, 1-based): chr5:95,478,381, T>C on the plus strand (A>G on the coding strand, the complement: SKIC3 is on the minus strand). VCF-style: chr5-95478381-T-C. GRCh37 (hg19) VCF-style: chr5-94814085-T-C.
Other names: short protein forms K1425R.
Identifiers: ClinVar variation 1449013 (VCV001449013.5), dbSNP rs745936869, ClinGen allele CA3346441.